The following is an entry in ClinVar:

ClinVar aggregate classification (germline): Uncertain significance (1 of 4 stars; one submission).

Conditions:
Hereditary cancer-predisposing syndrome. Also called: Hereditary Cancer Syndrome; Neoplastic Syndromes, Hereditary; Tumor predisposition; Hereditary neoplastic syndrome. Identifiers: Orphanet 140162, MedGen C0027672, MeSH D009386, MONDO:0015356.

Allele frequency attached by ClinVar (database versions not stated): gnomAD 0.00001.
gnomAD v4.1: 1 of 1,556,862 alleles (0.000064%); highest among the groups gnomAD compares: Non-Finnish European, 0.000088%; no homozygotes.

Submission:

Ambry Genetics
Classification: Uncertain significance for Hereditary cancer-predisposing syndrome. Last evaluated: 2024-11-05. Review status: criteria provided, single submitter. Criteria: Ambry Variant Classification Scheme 2023. Collection method: clinical testing. Allele origin: germline.
Comment: The p.E271A variant (also known as c.812A>C), located in coding exon 6 of the CHEK2 gene, results from an A to C substitution at nucleotide position 812. The glutamic acid at codon 271 is replaced by alanine, an amino acid with dissimilar properties. This amino acid position is well conserved in available vertebrate species. In addition, the in silico prediction for this alteration is inconclusive. Based on the available evidence, the clinical significance of this variant remains unclear.

NM_007194.4(CHEK2):c.812A>C (p.Glu271Ala)

Gene: CHEK2 (checkpoint kinase 2; minus strand). Cytogenetic location: 22q12.1.
Variant type: single nucleotide variant.
Coding change: c.812A>C on transcript NM_007194.4 (MANE Select); coding-DNA position 812, A replaced by C.
Protein change: p.Glu271Ala; replaces glutamic acid 271 with alanine.
Molecular consequence: missense variant.
Genome position (GRCh38, 1-based): chr22:28,710,040, T>G on the plus strand (A>C on the coding strand, the complement: CHEK2 is on the minus strand). VCF-style: chr22-28710040-T-G. GRCh37 (hg19) VCF-style: chr22-29106028-T-G.
Other names: c.941A>C, p.Glu314Ala (NM_001005735.3); c.149A>C, p.Glu50Ala (NM_001257387.3); c.611A>C, p.Glu204Ala (NM_001349956.3); c.812A>C, p.Glu271Ala (NM_145862.3); short protein forms E271A, E314A, E204A, E50A.
Identifiers: ClinVar variation 481116 (VCV000481116.6), dbSNP rs1555920220, ClinGen allele CA411102449.